The following is an entry in ClinVar:

ClinVar aggregate classification (germline): Likely benign. Review status: criteria provided, multiple submitters, no conflicts (2 of 4 stars). 5 submissions from 5 submitters: Likely benign (5). Last evaluated 2025-09-02.

Conditions:
Developmental and epileptic encephalopathy, 25 (DEE25). Also called: Epileptic encephalopathy, early infantile, 25; Developmental and epileptic encephalopathy 25, with amelogenesis imperfecta; Epileptic encephalopathy, early infantile, 25, with amelogenesis imperfecta. Identifiers: Orphanet 442835, MedGen C4014621, MONDO:0014392, OMIM 615905.

Allele frequency attached by ClinVar (database versions not stated): ExAC 0.00003; gnomAD exomes 0.00003; TOPMed 0.00003; gnomAD 0.00004 and 0.00006.
gnomAD v4.1: 59 of 1,614,110 alleles (0.0037%); highest among the groups gnomAD compares: Middle Eastern, 0.35%; 1 homozygote.

Submissions (5):

Labcorp Genetics (formerly Invitae), Labcorp
Classification: Likely benign for Developmental and epileptic encephalopathy, 25. Last evaluated: 2025-09-02. Review status: criteria provided, single submitter. Criteria: Invitae Variant Classification Sherloc (09022015). Collection method: clinical testing. Allele origin: germline.

CeGaT Center for Human Genetics Tuebingen
Classification: Likely benign. Last evaluated: 2023-12-01. Review status: criteria provided, single submitter. Criteria: CeGaT Center For Human Genetics Tuebingen Variant Classification Criteria Version 2. Collection method: clinical testing. Allele origin: germline. Affected: yes. Observed: 1 variant allele.
Comment: SLC13A5: BP4, BP7

Blueprint Genetics
Classification: Likely benign. Last evaluated: 2023-09-12. Review status: criteria provided, single submitter. Criteria: ACMG Guidelines, 2015. Collection method: clinical testing. Allele origin: germline.

GeneDx
Classification: Likely benign. Last evaluated: 2017-04-12. Review status: criteria provided, single submitter. Criteria: GeneDx Variant Classification (06012015). Collection method: clinical testing. Allele origin: germline. Affected: yes.
Comment: This variant is considered likely benign or benign based on one or more of the following criteria: it is a conservative change, it occurs at a poorly conserved position in the protein, it is predicted to be benign by multiple in silico algorithms, and/or has population frequency not consistent with disease.

Breakthrough Genomics
Classification: Likely benign. Review status: criteria provided, single submitter. Criteria: ACMG Guidelines, 2015. Collection method: not provided. Allele origin: germline. Inheritance: Autosomal recessive inheritance. Affected: yes.

NM_177550.5(SLC13A5):c.1584A>G (p.Thr528=)

Gene: SLC13A5 (solute carrier family 13 member 5; minus strand). Cytogenetic location: 17p13.1.
Variant type: single nucleotide variant.
Coding change: c.1584A>G on transcript NM_177550.5 (MANE Select); coding-DNA position 1584, A replaced by G.
Protein change: p.Thr528=; no amino-acid change (threonine 528 retained).
Molecular consequence: synonymous variant.
Genome position (GRCh38, 1-based): chr17:6,686,330, T>C on the plus strand (A>G on the coding strand, the complement: SLC13A5 is on the minus strand). VCF-style: chr17-6686330-T-C. GRCh37 (hg19) VCF-style: chr17-6589649-T-C.
Other names: c.1446A>G, p.Thr482= (NM_001143838.3); c.1533A>G, p.Thr511= (NM_001284509.2); c.1455A>G, p.Thr485= (NM_001284510.2).
Identifiers: ClinVar variation 384178 (VCV000384178.35), dbSNP rs764993670, ClinGen allele CA8331311.